The following is an entry in ClinVar:

ClinVar aggregate classification (germline): Uncertain significance. Review status: criteria provided, single submitter (1 of 4 stars). 2 submissions from 2 submitters: Uncertain significance (1). 1 of the submissions does not count toward it. Last evaluated 2022-02-05.

Conditions:
Autosomal recessive polycystic kidney disease (ARPKD). Also called: AR polycystic kidney disease. Identifiers: Orphanet 731, Orphanet 8378, MedGen C0085548, MeSH D017044, MONDO:0009889.

Allele frequency attached by ClinVar (database versions not stated): gnomAD 0.00001; gnomAD exomes 0.00003; ExAC 0.00005.
gnomAD v4.1: 21 of 1,613,958 alleles (0.0013%); highest among the groups gnomAD compares: Non-Finnish European, 0.00076%; no homozygotes.

Submissions (2):

Labcorp Genetics (formerly Invitae), Labcorp
Classification: Uncertain significance for Autosomal recessive polycystic kidney disease. Last evaluated: 2022-02-05. Review status: criteria provided, single submitter. Criteria: Invitae Variant Classification Sherloc (09022015). Collection method: clinical testing. Allele origin: germline.
Comment: This sequence change replaces valine, which is neutral and non-polar, with isoleucine, which is neutral and non-polar, at codon 3095 of the PKHD1 protein (p.Val3095Ile). This variant is present in population databases (rs768508521, gnomAD 0.02%). This variant has not been reported in the literature in individuals affected with PKHD1-related conditions. ClinVar contains an entry for this variant (Variation ID: 852243). Advanced modeling of protein sequence and biophysical properties (such as structural, functional, and spatial information, amino acid conservation, physicochemical variation, residue mobility, and thermodynamic stability) performed at Invitae indicates that this missense variant is not expected to disrupt PKHD1 protein function. In summary, the available evidence is currently insufficient to determine the role of this variant in disease. Therefore, it has been classified as a Variant of Uncertain Significance.

Natera, Inc.
Classification: Uncertain significance for Autosomal recessive polycystic kidney disease. Last evaluated: 2020-02-21. Review status: no assertion criteria provided. Collection method: clinical testing. Allele origin: germline. Not counted in ClinVar's aggregate classification.

NM_138694.4(PKHD1):c.9283G>A (p.Val3095Ile)

Gene: PKHD1 (PKHD1 ciliary IPT domain containing fibrocystin/polyductin; minus strand). Cytogenetic location: 6p12.3.
Variant type: single nucleotide variant.
Coding change: c.9283G>A on transcript NM_138694.4 (MANE Select); coding-DNA position 9283, G replaced by A.
Protein change: p.Val3095Ile; replaces valine 3095 with isoleucine.
Molecular consequence: missense variant.
Genome position (GRCh38, 1-based): chr6:51,748,333, C>T on the plus strand (G>A on the coding strand, the complement: PKHD1 is on the minus strand). VCF-style: chr6-51748333-C-T. GRCh37 (hg19) VCF-style: chr6-51613131-C-T.
Other names: c.9283G>A, p.Val3095Ile (NM_170724.3); short protein forms V3095I.
Identifiers: ClinVar variation 852243 (VCV000852243.12), dbSNP rs768508521, ClinGen allele CA3851417.